The following is an entry in ClinVar:

ClinVar aggregate classification (germline): Uncertain significance. Review status: criteria provided, multiple submitters, no conflicts (2 of 4 stars). 2 submissions from 2 submitters: Uncertain significance (2). Last evaluated 2024-09-01.

Conditions:
Hereditary cancer-predisposing syndrome. Also called: Hereditary neoplastic syndrome; Neoplastic Syndromes, Hereditary; Hereditary Cancer Syndrome; Tumor predisposition. Identifiers: Orphanet 140162, MedGen C0027672, MeSH D009386, MONDO:0015356.
Gastrointestinal stromal tumor. Also called: Gastrointestinal stromal tumor, somatic; Gastrointestinal stroma tumor. Identifiers: Orphanet 44890, MedGen C0238198, MeSH D046152, MONDO:0011719, OMIM 606764, HP:0100723.

Allele frequency attached by ClinVar (database versions not stated): gnomAD exomes below 0.00001; ExAC 0.00001.

Submissions (2):

Ambry Genetics
Classification: Uncertain significance for Hereditary cancer-predisposing syndrome. Last evaluated: 2024-09-01. Review status: criteria provided, single submitter. Criteria: Ambry Variant Classification Scheme 2023. Collection method: clinical testing. Allele origin: germline.
Comment: The p.I277L variant (also known as c.829A>C), located in coding exon 5 of the KIT gene, results from an A to C substitution at nucleotide position 829. The isoleucine at codon 277 is replaced by leucine, an amino acid with highly similar properties. This amino acid position is conserved. In addition, this alteration is predicted to be tolerated by in silico analysis. Based on the available evidence, the clinical significance of this variant remains unclear.

Labcorp Genetics (formerly Invitae), Labcorp
Classification: Uncertain significance for Gastrointestinal stromal tumor. Last evaluated: 2023-05-03. Review status: criteria provided, single submitter. Criteria: Invitae Variant Classification Sherloc (09022015). Collection method: clinical testing. Allele origin: germline.
Comment: In summary, the available evidence is currently insufficient to determine the role of this variant in disease. Therefore, it has been classified as a Variant of Uncertain Significance. An algorithm developed to predict the effect of missense changes on protein structure and function (PolyPhen-2) suggests that this variant is likely to be tolerated. ClinVar contains an entry for this variant (Variation ID: 966337). This variant has not been reported in the literature in individuals affected with KIT-related conditions. This variant is present in population databases (rs757547974, gnomAD 0.003%). This sequence change replaces isoleucine, which is neutral and non-polar, with leucine, which is neutral and non-polar, at codon 277 of the KIT protein (p.Ile277Leu).

NM_000222.3(KIT):c.829A>C (p.Ile277Leu)

Gene: KIT (KIT proto-oncogene, receptor tyrosine kinase; plus strand). Cytogenetic location: 4q12.
Variant type: single nucleotide variant.
Coding change: c.829A>C on transcript NM_000222.3 (MANE Select); coding-DNA position 829, A replaced by C.
Protein change: p.Ile277Leu; replaces isoleucine 277 with leucine.
Molecular consequence: missense variant.
Genome position (GRCh38, 1-based): chr4:54,703,796, A>C. VCF-style: chr4-54703796-A-C. GRCh37 (hg19) VCF-style: chr4-55569962-A-C.
Other names: c.829A>C, p.Ile277Leu (NM_001093772.2, NM_001385285.1, NM_001385286.1); c.832A>C, p.Ile278Leu (NM_001385284.1, NM_001385288.1, NM_001385290.1 and 1 more transcripts); short protein forms I277L, I278L.
Identifiers: ClinVar variation 966337 (VCV000966337.11), dbSNP rs757547974, ClinGen allele CA2923325.